The following is an entry in ClinVar:

ClinVar aggregate classification (germline): Conflicting classifications of pathogenicity. Review status: criteria provided, conflicting classifications (1 of 4 stars). 6 submissions from 6 submitters: Uncertain significance (3); Likely benign (1). 2 of the submissions do not count toward it. Last evaluated 2024-10-28.

Conditions:
Nephrotic syndrome, IIa 26. Also called: Nephrotic syndrome, type 26. Identifiers: MedGen C5774221, MONDO:0031061, OMIM 620049.
Inborn genetic diseases. Identifiers: MedGen C0950123, MeSH D030342.
LAMA5-related disorder. Also called: LAMA5-related condition; LAMA5-Related Disorders.
Nephrotic syndrome. Identifiers: MedGen C0027726, MONDO:0005377, HP:0000100.

Allele frequency attached by ClinVar (database versions not stated): gnomAD exomes 0.00019 and 0.00005; 1000 Genomes Project 30x 0.00047; 1000 Genomes Project 0.00060; gnomAD 0.00004 and 0.00009; TOPMed 0.00011; ExAC 0.00016.
gnomAD v4.1: 87 of 1,560,600 alleles (0.0056%); highest among the groups gnomAD compares: East Asian, 0.17%; no homozygotes.

Submissions (6):

Ambry Genetics
Classification: Uncertain significance for Inborn genetic diseases. Last evaluated: 2024-10-28. Review status: criteria provided, single submitter. Criteria: Ambry Variant Classification Scheme 2023. Collection method: clinical testing. Allele origin: germline.

PreventionGenetics, part of Exact Sciences
Classification: Likely benign for LAMA5-related condition. Last evaluated: 2024-10-14. Review status: criteria provided, single submitter. Criteria: ACMG Guidelines, 2015. Collection method: clinical testing. Allele origin: germline.
Comment: This variant is classified as likely benign based on ACMG/AMP sequence variant interpretation guidelines (Richards et al. 2015 PMID: 25741868, with internal and published modifications).

Victorian Clinical Genetics Services, Murdoch Childrens Research Institute
Classification: Uncertain significance for Nephrotic syndrome, IIa 26. Last evaluated: 2024-10-10. Review status: criteria provided, single submitter. Criteria: ACMG Guidelines, 2015. Collection method: clinical testing. Allele origin: germline. Inheritance: Autosomal recessive inheritance. Affected: yes.
Comment: Based on the classification scheme VCGS_Germline_v1.3.5, this variant is classified as VUS-3A. Following criteria are met: 0102 - Loss of function is a known mechanism of disease in this gene and is associated with nephrotic syndrome, type 26 (MIM#620049) and focal segmental glomerular sclerosis (FSGS; PMID: 24130771). The mechanism of disease associated with complex multisystem syndrome due to ECM dysfunction is currently unclear. (I) 0106 - This gene is associated with autosomal recessive disease. There are limited reports on autosomal dominant FSGS and complex multisystem syndrome due to ECM dysfunction (PMID: 24130771, 28735299). (I) 0200 - Variant is predicted to result in a missense amino acid change from glycine to serine. (I) 0251 - This variant is heterozygous. (I) 0304 - Variant is present in gnomAD (v4) <0.01 for a recessive condition (87 heterozygotes, 0 homozygotes). (SP) 0502 - Missense variant with conflicting in silico predictions and very high conservation. (I) 0600 - Variant is located in the annotated laminin G-like 2 domain (UniProt, PMID: 35419533). (I) 0705 - No comparable missense variants have previous evidence for pathogenicity. (I) 0809 - Previous evidence of pathogenicity for this variant is inconclusive. This variant has been reported twice as a VUS in ClinVar, and has been observed in a homozygous individual with nephrotic syndrome (PMID: 29534211). (I) 0905 - No published segregation evidence has been identified for this variant. (I) 1007 - No published functional evidence has been identified for this variant. (I) 1208 - Inheritance information for this variant is not currently available in this individual. (I) Legend: (SP) - Supporting pathogenic, (I) - Information, (SB) - Supporting benign

Labcorp Genetics (formerly Invitae), Labcorp
Classification: Uncertain significance. Last evaluated: 2023-09-23. Review status: criteria provided, single submitter. Criteria: Invitae Variant Classification Sherloc (09022015). Collection method: clinical testing. Allele origin: germline.
Comment: This sequence change replaces glycine, which is neutral and non-polar, with serine, which is neutral and polar, at codon 2948 of the LAMA5 protein (p.Gly2948Ser). This variant is present in population databases (rs529211517, gnomAD 0.2%). This missense change has been observed in individual(s) with nephrotic syndrome (PMID: 29534211). ClinVar contains an entry for this variant (Variation ID: 684687). Advanced modeling of protein sequence and biophysical properties (such as structural, functional, and spatial information, amino acid conservation, physicochemical variation, residue mobility, and thermodynamic stability) performed at Invitae indicates that this missense variant is expected to disrupt LAMA5 protein function. Algorithms developed to predict the effect of sequence changes on RNA splicing suggest that this variant may create or strengthen a splice site. In summary, the available evidence is currently insufficient to determine the role of this variant in disease. Therefore, it has been classified as a Variant of Uncertain Significance.

OMIM
Classification: Pathogenic for NEPHROTIC SYNDROME, TYPE 26. Last evaluated: 2022-10-13. Review status: no assertion criteria provided. Collection method: literature only. Allele origin: germline. Not counted in ClinVar's aggregate classification.

Yale Center for Mendelian Genomics, Yale University
Classification: Uncertain significance for Nephrotic syndrome. Last evaluated: 2018-03-09. Review status: no assertion criteria provided. Collection method: literature only. Allele origin: germline. Affected: yes. Observed: 1 homozygote. Not counted in ClinVar's aggregate classification.

Literature cited by the submitters: PubMed 29534211 (cited by 5 submitters); PubMed 24130771 (cited by Victorian Clinical Genetics Services, Murdoch Childrens Research Institute); PubMed 28735299 (cited by Victorian Clinical Genetics Services, Murdoch Childrens Research Institute); PubMed 35419533 (cited by Victorian Clinical Genetics Services, Murdoch Childrens Research Institute).

NM_005560.6(LAMA5):c.8842G>A (p.Gly2948Ser)

Gene: LAMA5 (laminin subunit alpha 5; minus strand). Cytogenetic location: 20q13.33.
Variant type: single nucleotide variant.
Coding change: c.8842G>A on transcript NM_005560.6 (MANE Select); coding-DNA position 8842, G replaced by A.
Protein change: p.Gly2948Ser; replaces glycine 2948 with serine.
Molecular consequence: missense variant.
Genome position (GRCh38, 1-based): chr20:62,313,201, C>T on the plus strand (G>A on the coding strand, the complement: LAMA5 is on the minus strand). VCF-style: chr20-62313201-C-T. GRCh37 (hg19) VCF-style: chr20-60888257-C-T.
Other names: LAMA5, GLY2948SER (rs529211517); c.8842G>A (NM_005560.3); short protein forms G2948S.
Identifiers: ClinVar variation 684687 (VCV000684687.12), dbSNP rs529211517, ClinGen allele CA9940536.
Genomic context (GRCh38, chr20:62,313,201, plus strand): 5'-GCTCGAAGCGCTTGGTGGTGCTGATCTGACTGTCGAAGCTGATGCGGGCGAAGCCGGTGC[C>T]GTCCAGGTAGGAGCCGTCCGTGAGCCACGGGTCCCCGGTCGACTTGGAGCTGCAGGTCGG-3'
Protein context (NP_005551.3, residues 2938-2958): PWLTDGSYLD[Gly2948Ser]TGFARISFDS